The following is an entry in ClinVar:

ClinVar aggregate classification (germline): Uncertain significance. Review status: criteria provided, multiple submitters, no conflicts (2 of 4 stars). 2 submissions from 2 submitters: Uncertain significance (2). Last evaluated 2025-05-27.

Conditions:
Cardiovascular phenotype. Identifiers: MedGen CN230736.
Brugada syndrome 8 (BRGDA8). Identifiers: Orphanet 130, MedGen C2751083, MONDO:0013148, OMIM 613123.

Allele frequency attached by ClinVar (database versions not stated): gnomAD exomes below 0.00001; gnomAD 0.00001; TOPMed 0.00001.
gnomAD v4.1: 5 of 1,562,042 alleles (0.00032%); highest among the groups gnomAD compares: African/African-American, 0.0027%; no homozygotes.

Submissions (2):

Ambry Genetics
Classification: Uncertain significance for Cardiovascular phenotype. Last evaluated: 2025-05-27. Review status: criteria provided, single submitter. Criteria: Ambry Variant Classification Scheme 2023. Collection method: clinical testing. Allele origin: germline.
Comment: The p.P1120L variant (also known as c.3359C>T), located in coding exon 8 of the HCN4 gene, results from a C to T substitution at nucleotide position 3359. The proline at codon 1120 is replaced by leucine, an amino acid with similar properties. This amino acid position is conserved. In addition, the in silico prediction for this alteration is inconclusive. Based on the available evidence, the clinical significance of this variant remains unclear.

Labcorp Genetics (formerly Invitae), Labcorp
Classification: Uncertain significance for Brugada syndrome 8. Last evaluated: 2023-06-29. Review status: criteria provided, single submitter. Criteria: Invitae Variant Classification Sherloc (09022015). Collection method: clinical testing. Allele origin: germline.
Comment: This variant is not present in population databases (gnomAD no frequency). In summary, the available evidence is currently insufficient to determine the role of this variant in disease. Therefore, it has been classified as a Variant of Uncertain Significance. Advanced modeling of protein sequence and biophysical properties (such as structural, functional, and spatial information, amino acid conservation, physicochemical variation, residue mobility, and thermodynamic stability) performed at Invitae indicates that this missense variant is not expected to disrupt HCN4 protein function. ClinVar contains an entry for this variant (Variation ID: 1372886). This variant has not been reported in the literature in individuals affected with HCN4-related conditions. This sequence change replaces proline, which is neutral and non-polar, with leucine, which is neutral and non-polar, at codon 1120 of the HCN4 protein (p.Pro1120Leu).

NM_005477.3(HCN4):c.3359C>T (p.Pro1120Leu)

Gene: HCN4 (hyperpolarization activated cyclic nucleotide gated potassium channel 4; minus strand). Cytogenetic location: 15q24.1.
Variant type: single nucleotide variant.
Coding change: c.3359C>T on transcript NM_005477.3 (MANE Select); coding-DNA position 3359, C replaced by T.
Protein change: p.Pro1120Leu; replaces proline 1120 with leucine.
Molecular consequence: missense variant.
Genome position (GRCh38, 1-based): chr15:73,322,734, G>A on the plus strand (C>T on the coding strand, the complement: HCN4 is on the minus strand). VCF-style: chr15-73322734-G-A. GRCh37 (hg19) VCF-style: chr15-73615075-G-A.
Other names: c.3359C>T (NM_005477.2); short protein forms P1120L.
Identifiers: ClinVar variation 1372886 (VCV001372886.9), dbSNP rs2042868728, ClinGen allele CA393085481.
Genomic context (GRCh38, chr15:73,322,734, plus strand): 5'-CTCCCAGGGGGACCGAGGCCCCCGCTGCTCCCACTGCCCCCGCTGCCACCCCCAGCCCTG[G>A]GGAAGAGCGGGAAGGCAGCCATGGACTCCCCTGAGGAGTGCGGGGAGGCTCTGCGGAGAG-3'
Protein context (NP_005468.1, residues 1110-1130): GESMAAFPLF[Pro1120Leu]RAGGGSGGSG